The following is an entry in ClinVar:

NM_021076.4(NEFH):c.580G>A (p.Glu194Lys)

Gene: NEFH (neurofilament heavy chain; plus strand). Cytogenetic location: 22q12.2.
Variant type: single nucleotide variant.
Coding change: c.580G>A on transcript NM_021076.4 (MANE Select); coding-DNA position 580, G replaced by A.
Protein change: p.Glu194Lys; replaces glutamic acid 194 with lysine.
Molecular consequence: missense variant.
Genome position (GRCh38, 1-based): chr22:29,480,842, G>A. VCF-style: chr22-29480842-G-A. GRCh37 (hg19) VCF-style: chr22-29876831-G-A.
Other names: short protein forms E194K.
Identifiers: ClinVar variation 4886213 (VCV004886213.2).

ClinVar aggregate classification (germline): Uncertain significance (1 of 4 stars; one submission).

Submission:

Dasa
Classification: Uncertain significance. Last evaluated: 2025-10-30. Review status: criteria provided, single submitter. Criteria: DASA Assertion Criteria. Collection method: clinical testing. Allele origin: germline.
Comment: NM_021076.4(NEFH):c.580G>A (p.Glu194Lys) is a missense variant that results in the substitution of glutamic acid with lysine. This variant is rare in population databases. The currently available literature and clinical evidence are not sufficient to establish a definitive association between this variant and the reported condition. Therefore, this variant is classified as a variant of uncertain significance.